The following is an entry in ClinVar:

NM_001127222.2(CACNA1A):c.6467G>A (p.Arg2156His)

Gene: CACNA1A (calcium voltage-gated channel subunit alpha1 A; minus strand). Cytogenetic location: 19p13.13.
Variant type: single nucleotide variant.
Coding change: c.6467G>A on transcript NM_001127222.2 (MANE Select); coding-DNA position 6467, G replaced by A.
Protein change: p.Arg2156His; replaces arginine 2156 with histidine.
Molecular consequence: missense variant.
Genome position (GRCh38, 1-based): chr19:13,209,371, C>T on the plus strand (G>A on the coding strand, the complement: CACNA1A is on the minus strand). VCF-style: chr19-13209371-C-T. GRCh37 (hg19) VCF-style: chr19-13320185-C-T.
Other names: c.6485G>A, p.Arg2162His (NM_000068.4, NM_023035.3); c.6470G>A, p.Arg2157His (NM_001127221.2); c.6476G>A, p.Arg2159His (NM_001174080.2); short protein forms R2157H, R2156H, R2162H, R2159H.
Identifiers: ClinVar variation 429650 (VCV000429650.25), dbSNP rs755749925, ClinGen allele CA9239355.
Genomic context (GRCh38, chr19:13,209,371, plus strand): 5'-CCTGTGTCCACATCGGTGTAGCGGCCCAGGGAGCGCTCAGAGGCGCGGTGGCTGCGGTCG[C>T]GGCGCCGCTGGTGGTGCCGCTGGTTCTCCTCGGGCGGGACCCGCTCCAGCGAGTAATCGT-3'
Protein context (NP_001120694.1, residues 2146-2166): EENQRHHQRR[Arg2156His]DRSHRASERS

ClinVar aggregate classification (germline): Conflicting classifications of pathogenicity. Review status: criteria provided, conflicting classifications (1 of 4 stars). 6 submissions from 6 submitters: Uncertain significance (3); Likely benign (3). Last evaluated 2026-06-26.

Conditions:
Episodic ataxia type 2 (EA2). Also called: ACETAZOLAMIDE-RESPONSIVE HEREDITARY PAROXYSMAL CEREBELLAR ATAXIA; ATAXIA, EPISODIC, WITH NYSTAGMUS; ATAXIA, FAMILIAL PAROXYSMAL; CEREBELLAR ATAXIA, PAROXYSMAL, ACETAZOLAMIDE-RESPONSIVE; CEREBELLOPATHY, HEREDITARY PAROXYSMAL; EPISODIC ATAXIA, NYSTAGMUS-ASSOCIATED. Identifiers: Orphanet 97, MedGen C1720416, MONDO:0007163, OMIM 108500.
Developmental and epileptic encephalopathy, 42 (DEE42A). Also called: Epileptic encephalopathy, early infantile, 42; EPILEPTIC ENCEPHALOPATHY, EARLY INFANTILE, 42A; DEVELOPMENTAL AND EPILEPTIC ENCEPHALOPATHY 42A. Identifiers: MedGen C4310716, MONDO:0014917, OMIM 617106.
Inborn genetic diseases. Identifiers: MedGen C0950123, MeSH D030342.

Allele frequency attached by ClinVar (database versions not stated): gnomAD exomes 0.00002 and 0.00008; TOPMed 0.00006; ExAC 0.00020.
gnomAD v4.1: 108 of 1,388,484 alleles (0.0078%); highest among the groups gnomAD compares: Non-Finnish European, 0.0092%; no homozygotes.

Submissions (6):

Ambry Genetics
Classification: Likely benign for Inborn genetic diseases. Last evaluated: 2026-06-26. Review status: criteria provided, single submitter. Criteria: Ambry Variant Classification Scheme 2023. Collection method: clinical testing. Allele origin: germline.

CeGaT Center for Human Genetics Tuebingen
Classification: Uncertain significance. Last evaluated: 2026-01-01. Review status: criteria provided, single submitter. Criteria: CeGaT Center For Human Genetics Tuebingen Variant Classification Criteria Version 2. Collection method: clinical testing. Allele origin: germline. Affected: yes. Observed: 1 variant allele.
Comment: CACNA1A: PM5, PP3

Labcorp Genetics (formerly Invitae), Labcorp
Classification: Likely benign for Developmental and epileptic encephalopathy, 42; Episodic ataxia type 2. Last evaluated: 2025-06-29. Review status: criteria provided, single submitter. Criteria: Invitae Variant Classification Sherloc (09022015). Collection method: clinical testing. Allele origin: germline.

Women's Health and Genetics/Laboratory Corporation of America, LabCorp
Classification: Uncertain significance. Last evaluated: 2024-09-04. Review status: criteria provided, single submitter. Criteria: LabCorp Variant Classification Summary - May 2015. Collection method: clinical testing. Allele origin: germline.
Comment: Variant summary: CACNA1A c.6470G>A (p.Arg2157His) results in a non-conservative amino acid change in the encoded protein sequence. Four of five in-silico tools predict a damaging effect of the variant on protein function. The variant allele was found at a frequency of 2.1e-05 in 48146 control chromosomes. The available data on variant occurrences in the general population are insufficient to allow any conclusion about variant significance. To our knowledge, no occurrence of c.6470G>A in individuals affected with Epileptic Encephalopathy, Early Infantile, 42 and no experimental evidence demonstrating its impact on protein function have been reported. ClinVar contains an entry for this variant (Variation ID: 429650). Based on the evidence outlined above, the variant was classified as uncertain significance.

Athena Diagnostics
Classification: Uncertain significance. Last evaluated: 2022-04-05. Review status: criteria provided, single submitter. Criteria: Athena Diagnostics Criteria. Collection method: clinical testing. Allele origin: unknown.

GeneDx
Classification: Likely benign. Last evaluated: 2020-06-16. Review status: criteria provided, single submitter. Criteria: GeneDx Variant Classification Process June 2021. Collection method: clinical testing. Allele origin: germline. Affected: yes.